The following is an entry in ClinVar:

ClinVar aggregate classification (germline): Uncertain significance (1 of 4 stars; one submission).

Submission:

GeneDx
Classification: Uncertain significance. Last evaluated: 2024-09-18. Review status: criteria provided, single submitter. Criteria: GeneDx Variant Classification Process June 2021. Collection method: clinical testing. Allele origin: germline. Affected: yes.
Comment: Not observed at significant frequency in large population cohorts (gnomAD); In silico analysis supports that this missense variant has a deleterious effect on protein structure/function; Has not been previously published as pathogenic or benign to our knowledge

NM_197968.4(ZMYM2):c.3353T>C (p.Leu1118Pro)

Gene: ZMYM2 (zinc finger MYM-type containing 2; plus strand). Cytogenetic location: 13q12.11.
Variant type: single nucleotide variant.
Coding change: c.3353T>C on transcript NM_197968.4 (MANE Select); coding-DNA position 3353, T replaced by C.
Protein change: p.Leu1118Pro; replaces leucine 1118 with proline.
Molecular consequence: missense variant. On other transcripts: non-coding transcript variant (1).
Genome position (GRCh38, 1-based): chr13:20,067,290, T>C. VCF-style: chr13-20067290-T-C. GRCh37 (hg19) VCF-style: chr13-20641430-T-C.
Other names: c.3353T>C, p.Leu1118Pro (NM_001190964.4, NM_001190965.4, NM_001353157.2 and 5 more transcripts); c.3158T>C, p.Leu1053Pro (NM_001353161.3); c.3092T>C, p.Leu1031Pro (NM_001353163.2); short protein forms L1031P, L1053P, L1118P.
Identifiers: ClinVar variation 3774065 (VCV003774065.1).